The following is an entry in ClinVar:

ClinVar aggregate classification (germline): Uncertain significance. Review status: criteria provided, multiple submitters, no conflicts (2 of 4 stars). 3 submissions from 3 submitters: Uncertain significance (3). Last evaluated 2026-01-30.

Conditions:
Cardiovascular phenotype. Identifiers: MedGen CN230736.
Hypercholesterolemia, autosomal dominant, type B (FHCL2). Also called: Familial hypercholesterolemia 2; Familial Hypercholesterolemia Type B; APOLIPOPROTEIN B-100, FAMILIAL DEFECTIVE; APOLIPOPROTEIN B-100, FAMILIAL LIGAND-DEFECTIVE; HYPERCHOLESTEROLEMIA, FAMILIAL, DUE TO LIGAND-DEFECTIVE APOLIPOPROTEIN B; Hyperlipoproteinemia Type IIb. Identifiers: MedGen C1704417, MONDO:0007751, OMIM 144010.

Allele frequency attached by ClinVar (database versions not stated): gnomAD exomes below 0.00001; ExAC 0.00001; TOPMed 0.00001.
gnomAD v4.1: 2 of 1,614,068 alleles (0.00012%); highest among the groups gnomAD compares: Admixed American, 0.0033%; no homozygotes.

Submissions (3):

GeneDx
Classification: Uncertain significance. Last evaluated: 2026-01-30. Review status: criteria provided, single submitter. Criteria: GeneDx Variant Classification Process June 2021. Collection method: clinical testing. Allele origin: germline.
Comment: Not observed at significant frequency in large population cohorts (gnomAD); In silico analysis supports that this missense variant has a deleterious effect on protein structure/function; Has not been previously published as pathogenic or benign to our knowledge

Department of Pathology and Laboratory Medicine, Sinai Health System
Classification: Uncertain significance for hypercholesterolemia, autosomal dominant, type B. Last evaluated: 2021-07-30. Review status: criteria provided, single submitter. Criteria: ACMG Guidelines, 2015. Collection method: research. Allele origin: germline.

Ambry Genetics
Classification: Uncertain significance for Cardiovascular phenotype. Last evaluated: 2019-04-29. Review status: criteria provided, single submitter. Criteria: Ambry Variant Classification Scheme 2023. Collection method: clinical testing. Allele origin: germline.
Comment: The p.T2781I variant (also known as c.8342C>T), located in coding exon 26 of the APOB gene, results from a C to T substitution at nucleotide position 8342. The threonine at codon 2781 is replaced by isoleucine, an amino acid with similar properties. This amino acid position is highly conserved in available vertebrate species. In addition, this alteration is predicted to be tolerated by in silico analysis. Since supporting evidence is limited at this time, the clinical significance of this alteration remains unclear.

NM_000384.3(APOB):c.8342C>T (p.Thr2781Ile)

Gene: APOB (apolipoprotein B; minus strand). Cytogenetic location: 2p24.1.
Variant type: single nucleotide variant.
Coding change: c.8342C>T on transcript NM_000384.3 (MANE Select); coding-DNA position 8342, C replaced by T.
Protein change: p.Thr2781Ile; replaces threonine 2781 with isoleucine.
Molecular consequence: missense variant.
Genome position (GRCh38, 1-based): chr2:21,008,526, G>A on the plus strand (C>T on the coding strand, the complement: APOB is on the minus strand). VCF-style: chr2-21008526-G-A. GRCh37 (hg19) VCF-style: chr2-21231398-G-A.
Other names: short protein forms T2781I.
Identifiers: ClinVar variation 1763001 (VCV001763001.4), dbSNP rs755590110, ClinGen allele CA065562.
Genomic context (GRCh38, chr2:21,008,526, plus strand): 5'-AATTTGGACTCTCCTTTGGCAGTGATGGAAGCTGCGATACCTGCTTCGTTTGCTGAGGTG[G>A]TTCCATTCCCTATGTCAGCATTTGCATCTAATGTGAAAAGAGGAGATTGGATTTTCAGAA-3'
Protein context (NP_000375.3, residues 2771-2791): LDANADIGNG[Thr2781Ile]TSANEAGIAA